The following is an entry in ClinVar:

ClinVar aggregate classification (germline): Likely benign (0 of 4 stars; one submission).

Conditions:
MARS2-related disorder. Also called: MARS2-related condition.

Allele frequency attached by ClinVar (database versions not stated): gnomAD exomes 0.00001.

Submission:

PreventionGenetics, part of Exact Sciences
Classification: Likely benign for MARS2-related condition. Last evaluated: 2019-05-22. Review status: no assertion criteria provided. Collection method: clinical testing. Allele origin: germline.
Comment: This variant is classified as likely benign based on ACMG/AMP sequence variant interpretation guidelines (Richards et al. 2015 PMID: 25741868, with internal and published modifications).

NM_138395.4(MARS2):c.48T>C (p.Ser16=)

Gene: MARS2 (methionyl-tRNA synthetase 2, mitochondrial; plus strand). Cytogenetic location: 2q33.1.
Variant type: single nucleotide variant.
Coding change: c.48T>C on transcript NM_138395.4 (MANE Select); coding-DNA position 48, T replaced by C.
Protein change: p.Ser16=; no amino-acid change (serine 16 retained).
Molecular consequence: synonymous variant.
Genome position (GRCh38, 1-based): chr2:197,705,453, T>C. VCF-style: chr2-197705453-T-C. GRCh37 (hg19) VCF-style: chr2-198570177-T-C.
Identifiers: ClinVar variation 3039688 (VCV003039688.2), dbSNP rs2468940364, ClinGen allele CA430559858.